The following is an entry in ClinVar:

ClinVar aggregate classification (germline): Uncertain significance (1 of 4 stars; one submission).

Conditions:
Immunodeficiency due to CD25 deficiency. Also called: CD25 DEFICIENCY; IL2RA DEFICIENCY; IMMUNODEFICIENCY 41 WITH LYMPHOPROLIFERATION AND AUTOIMMUNITY. Identifiers: Orphanet 169100, MedGen C1853392, MONDO:0011664, OMIM 606367.

Allele frequency attached by ClinVar (database versions not stated): TOPMed 0.00001.
gnomAD v4.1: 1 of 1,613,882 alleles (0.000062%); highest among the groups gnomAD compares: African/African-American, 0.0013%; no homozygotes.

Submission:

Labcorp Genetics (formerly Invitae), Labcorp
Classification: Uncertain significance for Immunodeficiency due to CD25 deficiency. Last evaluated: 2020-07-16. Review status: criteria provided, single submitter. Criteria: Invitae Variant Classification Sherloc (09022015). Collection method: clinical testing. Allele origin: germline.
Comment: This sequence change replaces cysteine with phenylalanine at codon 125 of the IL2RA protein (p.Cys125Phe). The cysteine residue is highly conserved and there is a large physicochemical difference between cysteine and phenylalanine. This variant is not present in population databases (ExAC no frequency). This variant has not been reported in the literature in individuals with IL2RA-related conditions. Algorithms developed to predict the effect of missense changes on protein structure and function (SIFT, PolyPhen-2, Align-GVGD) all suggest that this variant is likely to be disruptive, but these predictions have not been confirmed by published functional studies and their clinical significance is uncertain. In summary, the available evidence is currently insufficient to determine the role of this variant in disease. Therefore, it has been classified as a Variant of Uncertain Significance.

NM_000417.3(IL2RA):c.374G>T (p.Cys125Phe)

Gene: IL2RA (interleukin 2 receptor subunit alpha; minus strand). Cytogenetic location: 10p15.1.
Variant type: single nucleotide variant.
Coding change: c.374G>T on transcript NM_000417.3 (MANE Select); coding-DNA position 374, G replaced by T.
Protein change: p.Cys125Phe; replaces cysteine 125 with phenylalanine.
Molecular consequence: missense variant. On other transcripts: intron variant (2).
Genome position (GRCh38, 1-based): chr10:6,021,687, C>A on the plus strand (G>T on the coding strand, the complement: IL2RA is on the minus strand). VCF-style: chr10-6021687-C-A. GRCh37 (hg19) VCF-style: chr10-6063650-C-A.
Other names: c.368-2188G>T (NM_001308243.2); c.368-1746G>T (NM_001308242.2); short protein forms C125F.
Identifiers: ClinVar variation 1056442 (VCV001056442.7), dbSNP rs1839390431, ClinGen allele CA375927005.